The following is an entry in ClinVar:

NM_002439.5(MSH3):c.1925T>C (p.Val642Ala)

Gene: MSH3 (mutS homolog 3; plus strand). Cytogenetic location: 5q14.1.
Variant type: single nucleotide variant.
Coding change: c.1925T>C on transcript NM_002439.5 (MANE Select); coding-DNA position 1925, T replaced by C.
Protein change: p.Val642Ala; replaces valine 642 with alanine.
Molecular consequence: missense variant.
Genome position (GRCh38, 1-based): chr5:80,767,961, T>C. VCF-style: chr5-80767961-T-C. GRCh37 (hg19) VCF-style: chr5-80063780-T-C.
Other names: short protein forms V642A.
Identifiers: ClinVar variation 3222251 (VCV003222251.2), dbSNP rs2112884323, ClinGen allele CA360277490.

ClinVar aggregate classification (germline): Uncertain significance. Review status: criteria provided, multiple submitters, no conflicts (2 of 4 stars). 2 submissions from 2 submitters: Uncertain significance (2). Last evaluated 2025-06-30.

Conditions:
Hereditary cancer-predisposing syndrome. Also called: Tumor predisposition; Hereditary neoplastic syndrome; Hereditary Cancer Syndrome; Neoplastic Syndromes, Hereditary. Identifiers: Orphanet 140162, MedGen C0027672, MeSH D009386, MONDO:0015356.

Allele frequency attached by ClinVar (database versions not stated): gnomAD exomes below 0.00001.
gnomAD v4.1: 3 of 1,612,856 alleles (0.00019%); highest among the groups gnomAD compares: Non-Finnish European, 0.00025%; no homozygotes.

Submissions (2):

Labcorp Genetics (formerly Invitae), Labcorp
Classification: Uncertain significance. Last evaluated: 2025-06-30. Review status: criteria provided, single submitter. Criteria: Invitae Variant Classification Sherloc (09022015). Collection method: clinical testing. Allele origin: germline.
Comment: This sequence change replaces valine, which is neutral and non-polar, with alanine, which is neutral and non-polar, at codon 642 of the MSH3 protein (p.Val642Ala). This variant is not present in population databases (gnomAD no frequency). This variant has not been reported in the literature in individuals affected with MSH3-related conditions. ClinVar contains an entry for this variant (Variation ID: 3222251). An algorithm developed to predict the effect of missense changes on protein structure and function (PolyPhen-2) suggests that this variant is likely to be tolerated. In summary, the available evidence is currently insufficient to determine the role of this variant in disease. Therefore, it has been classified as a Variant of Uncertain Significance.

Ambry Genetics
Classification: Uncertain significance for Hereditary cancer-predisposing syndrome. Last evaluated: 2024-01-31. Review status: criteria provided, single submitter. Criteria: Ambry Variant Classification Scheme 2023. Collection method: clinical testing. Allele origin: germline.
Comment: The p.V642A variant (also known as c.1925T>C), located in coding exon 14 of the MSH3 gene, results from a T to C substitution at nucleotide position 1925. The valine at codon 642 is replaced by alanine, an amino acid with similar properties. This amino acid position is well conserved in available vertebrate species. In addition, the in silico prediction for this alteration is inconclusive. Based on the available evidence, the clinical significance of this alteration remains unclear.